The following is an entry in ClinVar:

ClinVar aggregate classification (germline): Uncertain significance (1 of 4 stars; one submission).

Allele frequency attached by ClinVar (database versions not stated): gnomAD exomes below 0.00001; gnomAD 0.00001.
gnomAD v4.1: 2 of 1,613,450 alleles (0.00012%); highest among the groups gnomAD compares: Non-Finnish European, 0.000085%; no homozygotes.

Submission:

Ambry Genetics
Classification: Uncertain significance. Last evaluated: 2022-01-21. Review status: criteria provided, single submitter. Criteria: Ambry Variant Classification Scheme 2023. Collection method: clinical testing. Allele origin: germline.
Comment: The p.I951T variant (also known as c.2852T>C), located in coding exon 23 of the BUB1 gene, results from a T to C substitution at nucleotide position 2852. The isoleucine at codon 951 is replaced by threonine, an amino acid with similar properties. This amino acid position is conserved. In addition, the in silico prediction for this alteration is inconclusive. Since supporting evidence is limited at this time, the clinical significance of this alteration remains unclear.

NM_004336.5(BUB1):c.2852T>C (p.Ile951Thr)

Gene: BUB1 (BUB1 mitotic checkpoint serine/threonine kinase; minus strand). Cytogenetic location: 2q13.
Variant type: single nucleotide variant.
Coding change: c.2852T>C on transcript NM_004336.5 (MANE Select); coding-DNA position 2852, T replaced by C.
Protein change: p.Ile951Thr; replaces isoleucine 951 with threonine.
Molecular consequence: missense variant.
Genome position (GRCh38, 1-based): chr2:110,641,137, A>G on the plus strand (T>C on the coding strand, the complement: BUB1 is on the minus strand). VCF-style: chr2-110641137-A-G. GRCh37 (hg19) VCF-style: chr2-111398714-A-G.
Other names: c.2792T>C, p.Ile931Thr (NM_001278616.2); c.2681T>C, p.Ile894Thr (NM_001278617.2); short protein forms I894T, I931T, I951T.
Identifiers: ClinVar variation 1796856 (VCV001796856.2), dbSNP rs1689492884, ClinGen allele CA348089154.